The following is an entry in ClinVar:

ClinVar aggregate classification (germline): Uncertain significance. Review status: criteria provided, multiple submitters, no conflicts (2 of 4 stars). 3 submissions from 3 submitters: Uncertain significance (2). 1 of the submissions does not count toward it. Last evaluated 2024-08-09.

Conditions:
Retinal dystrophy. Also called: Inherited retinal dystrophy. Identifiers: Orphanet 71862, MedGen C0854723, MeSH D058499, MONDO:0019118, HP:0000556.

Allele frequency attached by ClinVar (database versions not stated): TOPMed below 0.00001; ExAC 0.00001; gnomAD exomes 0.00001.

Submissions (3):

Blueprint Genetics
Classification: Uncertain significance. Last evaluated: 2024-08-09. Review status: criteria provided, single submitter. Criteria: ACMG Guidelines, 2015. Collection method: clinical testing. Allele origin: germline.

Labcorp Genetics (formerly Invitae), Labcorp
Classification: Uncertain significance. Last evaluated: 2022-10-05. Review status: criteria provided, single submitter. Criteria: Invitae Variant Classification Sherloc (09022015). Collection method: clinical testing. Allele origin: germline.
Comment: In summary, the available evidence is currently insufficient to determine the role of this variant in disease. Therefore, it has been classified as a Variant of Uncertain Significance. Algorithms developed to predict the effect of sequence changes on RNA splicing suggest that this variant may create or strengthen a splice site. Algorithms developed to predict the effect of missense changes on protein structure and function are either unavailable or do not agree on the potential impact of this missense change (SIFT: "Deleterious"; PolyPhen-2: "Possibly Damaging"; Align-GVGD: "Class C0"). ClinVar contains an entry for this variant (Variation ID: 855354). This variant has not been reported in the literature in individuals affected with RIMS1-related conditions. This variant is present in population databases (rs761114297, gnomAD 0.002%). This sequence change replaces leucine, which is neutral and non-polar, with tryptophan, which is neutral and slightly polar, at codon 1094 of the RIMS1 protein (p.Leu1094Trp).

Institute of Human Genetics, Univ. Regensburg, Univ. Regensburg
Classification: Uncertain significance for Retinal dystrophy. Last evaluated: 2013-01-01. Review status: no assertion criteria provided. Criteria: ACMG Guidelines, 2015. Collection method: clinical testing. Allele origin: germline. Affected: yes. Not counted in ClinVar's aggregate classification.

NM_014989.7(RIMS1):c.3281T>G (p.Leu1094Trp)

Gene: RIMS1 (regulating synaptic membrane exocytosis 1; plus strand). Cytogenetic location: 6q13.
Variant type: single nucleotide variant.
Coding change: c.3281T>G on transcript NM_014989.7 (MANE Select); coding-DNA position 3281, T replaced by G.
Protein change: p.Leu1094Trp; replaces leucine 1094 with tryptophan.
Molecular consequence: missense variant. On other transcripts: intron variant (62).
Genome position (GRCh38, 1-based): chr6:72,265,476, T>G. VCF-style: chr6-72265476-T-G. GRCh37 (hg19) VCF-style: chr6-72975179-T-G.
Other names: c.1700T>G, p.Leu567Trp (NM_001350436.2); c.1470-484T>G (NM_001350428.2, NM_001350459.2, NM_001350424.2 and 1 more transcripts); c.1467-484T>G (NM_001350437.2, NM_001350430.2, NM_001350421.2 and 1 more transcripts); c.1616+424T>G (NM_001350458.2); c.1539-484T>G (NM_001350433.2, NM_001350446.2, NM_001350442.2 and 8 more transcripts); c.1538+4709T>G (NM_001350431.2); c.1476-484T>G (NM_001350457.2); c.1475+6365T>G (NM_001350460.2, NM_001350426.2, NM_001350429.2 and 1 more transcripts); and 14 more; short protein forms L1094W, L567W.
Identifiers: ClinVar variation 855354 (VCV000855354.13), dbSNP rs761114297, ClinGen allele CA3886192.